The following is an entry in ClinVar:

ClinVar aggregate classification (germline): Benign. Review status: criteria provided, multiple submitters, no conflicts (2 of 4 stars). 2 submissions from 2 submitters: Benign (2). Last evaluated 2026-09-01.

Allele frequency attached by ClinVar (database versions not stated): 1000 Genomes Project 30x 0.00359; ESP Exome Variant Server 0.00408; 1000 Genomes Project 0.00419; TOPMed 0.00428; gnomAD 0.00755.
gnomAD v4.1: 7,758 of 1,614,244 alleles (0.48%); highest among the groups gnomAD compares: Middle Eastern, 1.2%; 27 homozygotes.

Submissions (2):

CeGaT Center for Human Genetics Tuebingen
Classification: Benign. Last evaluated: 2026-09-01. Review status: criteria provided, single submitter. Criteria: CeGaT Center For Human Genetics Tuebingen Variant Classification Criteria Version 2. Collection method: clinical testing. Allele origin: germline. Affected: yes. Observed: 53 variant alleles.
Comment: H1-4: BP4, BP7, BS1, BS2

Labcorp Genetics (formerly Invitae), Labcorp
Classification: Benign. Last evaluated: 2019-12-31. Review status: criteria provided, single submitter. Criteria: Invitae Variant Classification Sherloc (09022015). Collection method: clinical testing. Allele origin: germline.

NM_005321.3(H1-4):c.225G>A (p.Lys75=)

Gene: H1-4 (H1.4 linker histone, cluster member; plus strand). Cytogenetic location: 6p22.2.
Variant type: single nucleotide variant.
Coding change: c.225G>A on transcript NM_005321.3 (MANE Select); coding-DNA position 225, G replaced by A.
Protein change: p.Lys75=; no amino-acid change (lysine 75 retained).
Molecular consequence: synonymous variant.
Genome position (GRCh38, 1-based): chr6:26,156,615, G>A. VCF-style: chr6-26156615-G-A. GRCh37 (hg19) VCF-style: chr6-26156843-G-A.
Identifiers: ClinVar variation 779247 (VCV000779247.35), dbSNP rs150948103, ClinGen allele CA3667978.
Genomic context (GRCh38, chr6:26,156,615, plus strand): 5'-CGGCGTATCTTTGGCCGCTCTCAAGAAAGCGCTGGCAGCCGCTGGCTATGACGTGGAGAA[G>A]AACAACAGCCGCATCAAGCTGGGTCTCAAGAGCCTGGTGAGCAAGGGCACCCTGGTGCAG-3'
Protein context (NP_005312.1, residues 65-85): ALAAAGYDVE[Lys75=]NNSRIKLGLK